The following is an entry in ClinVar:

NM_001029883.3(PCARE):c.2803G>A (p.Glu935Lys)

Gene: PCARE (photoreceptor cilium actin regulator; minus strand). Cytogenetic location: 2p23.2.
Variant type: single nucleotide variant.
Coding change: c.2803G>A on transcript NM_001029883.3 (MANE Select); coding-DNA position 2803, G replaced by A.
Protein change: p.Glu935Lys; replaces glutamic acid 935 with lysine.
Molecular consequence: missense variant.
Genome position (GRCh38, 1-based): chr2:29,071,459, C>T on the plus strand (G>A on the coding strand, the complement: PCARE is on the minus strand). VCF-style: chr2-29071459-C-T. GRCh37 (hg19) VCF-style: chr2-29294325-C-T.
Other names: short protein forms E935K.
Identifiers: ClinVar variation 335646 (VCV000335646.41), dbSNP rs200817926, ClinGen allele CA1592119.

ClinVar aggregate classification (germline): Conflicting classifications of pathogenicity. Review status: criteria provided, conflicting classifications (1 of 4 stars). 5 submissions from 5 submitters: Uncertain significance (4); Likely benign (1). Last evaluated 2024-02-26.

Conditions:
Retinal dystrophy. Also called: Inherited retinal dystrophy. Identifiers: Orphanet 71862, MedGen C0854723, MeSH D058499, MONDO:0019118, HP:0000556.
Retinitis pigmentosa (RP). Identifiers: Orphanet 791, MedGen C0035334, MeSH D012174, MONDO:0019200, OMIM 268000. Inheritance: Autosomal dominant, autosomal recessive and X linked inheritance.

Allele frequency attached by ClinVar (database versions not stated): TOPMed 0.00006; gnomAD exomes 0.00007 and 0.00010; ExAC 0.00008; gnomAD 0.00009; ESP Exome Variant Server 0.00016.
gnomAD v4.1: 160 of 1,612,664 alleles (0.0099%); highest among the groups gnomAD compares: East Asian, 0.16%; no homozygotes.

Submissions (5):

Labcorp Genetics (formerly Invitae), Labcorp
Classification: Uncertain significance. Last evaluated: 2024-02-26. Review status: criteria provided, single submitter. Criteria: Invitae Variant Classification Sherloc (09022015). Collection method: clinical testing. Allele origin: germline.
Comment: This sequence change replaces glutamic acid, which is acidic and polar, with lysine, which is basic and polar, at codon 935 of the PCARE protein (p.Glu935Lys). This variant is present in population databases (rs200817926, gnomAD 0.03%). This variant has not been reported in the literature in individuals affected with PCARE-related conditions. ClinVar contains an entry for this variant (Variation ID: 335646). An algorithm developed to predict the effect of missense changes on protein structure and function (PolyPhen-2) suggests that this variant is likely to be disruptive. In summary, the available evidence is currently insufficient to determine the role of this variant in disease. Therefore, it has been classified as a Variant of Uncertain Significance.

Blueprint Genetics
Classification: Uncertain significance. Last evaluated: 2023-12-11. Review status: criteria provided, single submitter. Criteria: ACMG Guidelines, 2015. Collection method: clinical testing. Allele origin: germline.

Dept Of Ophthalmology, Nagoya University
Classification: Likely benign for Retinal dystrophy. Last evaluated: 2023-10-01. Review status: criteria provided, single submitter. Criteria: Submitter's publication. Collection method: research. Allele origin: germline. Affected: yes.

CeGaT Center for Human Genetics Tuebingen
Classification: Uncertain significance. Last evaluated: 2022-05-01. Review status: criteria provided, single submitter. Criteria: CeGaT Center For Human Genetics Tuebingen Variant Classification Criteria Version 2. Collection method: clinical testing. Allele origin: germline. Affected: yes. Observed: 1 variant allele.
Comment: PCARE: PM2, BP4

Illumina Laboratory Services, Illumina
Classification: Uncertain significance for Retinitis pigmentosa. Last evaluated: 2018-01-13. Review status: criteria provided, single submitter. Criteria: ICSL Variant Classification Criteria 13 December 2019. Collection method: clinical testing. Allele origin: germline.